The following is an entry in ClinVar:

NM_053025.4(MYLK):c.1178A>G (p.Asp393Gly)

Gene: MYLK (myosin light chain kinase; minus strand). Cytogenetic location: 3q21.1.
Variant type: single nucleotide variant.
Coding change: c.1178A>G on transcript NM_053025.4 (MANE Select); coding-DNA position 1178, A replaced by G.
Protein change: p.Asp393Gly; replaces aspartic acid 393 with glycine.
Molecular consequence: missense variant.
Genome position (GRCh38, 1-based): chr3:123,733,818, T>C on the plus strand (A>G on the coding strand, the complement: MYLK is on the minus strand). VCF-style: chr3-123733818-T-C. GRCh37 (hg19) VCF-style: chr3-123452665-T-C.
Other names: c.1178A>G, p.Asp393Gly (NM_053028.4, NM_053026.4, NM_053027.4); c.650A>G, p.Asp217Gly (NM_001321309.2); short protein forms D217G, D393G.
Identifiers: ClinVar variation 1741209 (VCV001741209.4), dbSNP rs755365095, ClinGen allele CA066775.

ClinVar aggregate classification (germline): Uncertain significance. Review status: criteria provided, multiple submitters, no conflicts (2 of 4 stars). 2 submissions from 2 submitters: Uncertain significance (2). Last evaluated 2024-02-02.

Conditions:
Aortic aneurysm, familial thoracic 7 (AAT7). Also called: AORTIC DISSECTION, FAMILIAL, WITH OR WITHOUT AORTIC ANEURYSM. Identifiers: MedGen C3151077, MONDO:0013418, OMIM 613780.
Familial thoracic aortic aneurysm and aortic dissection (TAAD). Also called: Thoracic aortic aneurysms and dissections. Identifiers: Orphanet 91387, MedGen C4707243, MONDO:0019625.

Allele frequency attached by ClinVar (database versions not stated): gnomAD 0.00001; gnomAD exomes 0.00001; TOPMed 0.00001; ExAC 0.00002.

Submissions (2):

Labcorp Genetics (formerly Invitae), Labcorp
Classification: Uncertain significance for Aortic aneurysm, familial thoracic 7. Last evaluated: 2024-02-02. Review status: criteria provided, single submitter. Criteria: Invitae Variant Classification Sherloc (09022015). Collection method: clinical testing. Allele origin: germline.
Comment: This sequence change replaces aspartic acid, which is acidic and polar, with glycine, which is neutral and non-polar, at codon 393 of the MYLK protein (p.Asp393Gly). This variant is present in population databases (rs755365095, gnomAD 0.02%). This variant has not been reported in the literature in individuals affected with MYLK-related conditions. ClinVar contains an entry for this variant (Variation ID: 1741209). Advanced modeling of protein sequence and biophysical properties (such as structural, functional, and spatial information, amino acid conservation, physicochemical variation, residue mobility, and thermodynamic stability) performed at Invitae indicates that this missense variant is not expected to disrupt MYLK protein function with a negative predictive value of 95%. In summary, the available evidence is currently insufficient to determine the role of this variant in disease. Therefore, it has been classified as a Variant of Uncertain Significance.

Ambry Genetics
Classification: Uncertain significance for Familial thoracic aortic aneurysm and aortic dissection. Last evaluated: 2022-09-13. Review status: criteria provided, single submitter. Criteria: Ambry Variant Classification Scheme 2023. Collection method: clinical testing. Allele origin: germline.
Comment: The p.D393G variant (also known as c.1178A>G), located in coding exon 7 of the MYLK gene, results from an A to G substitution at nucleotide position 1178. The aspartic acid at codon 393 is replaced by glycine, an amino acid with similar properties. This amino acid position is conserved. In addition, this alteration is predicted to be tolerated by in silico analysis. Since supporting evidence is limited at this time, the clinical significance of this alteration remains unclear.